The following is an entry in ClinVar:

ClinVar aggregate classification (germline): Pathogenic/Likely pathogenic. Review status: criteria provided, multiple submitters, no conflicts (2 of 4 stars). 2 submissions from 2 submitters: Pathogenic (1); Likely pathogenic (1). Last evaluated 2022-11-10.

Conditions:
Generalized epilepsy with febrile seizures plus, type 9 (GEFSP9). Also called: GEFS+, TYPE 9. Identifiers: Orphanet 36387, MedGen C4015395, MONDO:0014517, OMIM 616172.

Submissions (2):

GeneDx
Classification: Likely pathogenic. Last evaluated: 2022-11-10. Review status: criteria provided, single submitter. Criteria: GeneDx Variant Classification Process June 2021. Collection method: clinical testing. Allele origin: germline. Affected: yes.
Comment: Nonsense variant predicted to result in protein truncation or nonsense mediated decay in a gene for which loss of function is a known mechanism of disease; Not observed at significant frequency in large population cohorts (gnomAD); Has not been previously published as pathogenic or benign to our knowledge; This variant is associated with the following publications: (PMID: 25362483)

Labcorp Genetics (formerly Invitae), Labcorp
Classification: Pathogenic for Generalized epilepsy with febrile seizures plus, type 9. Last evaluated: 2022-02-03. Review status: criteria provided, single submitter. Criteria: Invitae Variant Classification Sherloc (09022015). Collection method: clinical testing. Allele origin: germline.
Comment: This sequence change creates a premature translational stop signal (p.Gln72*) in the STX1B gene. It is expected to result in an absent or disrupted protein product. Loss-of-function variants in STX1B are known to be pathogenic (PMID: 25362483). This variant is not present in population databases (gnomAD no frequency). This variant has not been reported in the literature in individuals affected with STX1B-related conditions. For these reasons, this variant has been classified as Pathogenic.

Literature cited by the submitters: PubMed 25362483 (cited by Labcorp Genetics (formerly Invitae), Labcorp).

NM_052874.5(STX1B):c.214C>T (p.Gln72Ter)

Gene: STX1B (syntaxin 1B; minus strand). Cytogenetic location: 16p11.2.
Variant type: single nucleotide variant.
Coding change: c.214C>T on transcript NM_052874.5 (MANE Select); coding-DNA position 214, C replaced by T.
Protein change: p.Gln72Ter; replaces glutamine 72 with a stop codon.
Molecular consequence: nonsense.
Genome position (GRCh38, 1-based): chr16:31,000,994, G>A on the plus strand (C>T on the coding strand, the complement: STX1B is on the minus strand). VCF-style: chr16-31000994-G-A. GRCh37 (hg19) VCF-style: chr16-31012315-G-A.
Other names: c.214C>T (NM_052874.3); short protein forms Q72*.
Identifiers: ClinVar variation 1460098 (VCV001460098.6), dbSNP rs2143677351, ClinGen allele CA395651292.